The following is an entry in ClinVar:

NM_007194.4(CHEK2):c.1452del (p.Trp485fs)

Gene: CHEK2 (checkpoint kinase 2; minus strand). Cytogenetic location: 22q12.1.
Variant type: Deletion.
Coding change: c.1452del on transcript NM_007194.4 (MANE Select); coding-DNA position 1452, one base deleted (G; older notation c.1452delG).
Protein change: p.Trp485fs; shifts the reading frame from tryptophan 485.
Molecular consequence: frameshift variant.
Genome position (GRCh38, 1-based): chr22:28,694,041, C deleted on the plus strand (G on the coding strand, the reverse complement: CHEK2 is on the minus strand). VCF-style (leftmost placement, unchanged base first): chr22-28694040-AC-A. GRCh37 (hg19) VCF-style: chr22-29090028-AC-A.
Other names: c.1452delG (NM_007194.3); c.1581delG, p.Trp528Glyfs (NM_001005735.3); c.789delG, p.Trp264Glyfs (NM_001257387.3); c.1251delG, p.Trp418Glyfs (NM_001349956.3); c.1365delG, p.Trp456Glyfs (NM_145862.3); short protein forms W456fs, W264fs, W418fs, W528fs, W485fs.
Identifiers: ClinVar variation 1355095 (VCV001355095.9), dbSNP rs2145784297, ClinGen allele CA2573157961.
Genomic context (GRCh38, chr22:28,694,040, plus strand): 5'-GCAGCAGGGCTTCCCATGTATTTTATGCTAGCAGGCACTGTCCCACACCCACCTGAAGCC[AC>A]GGGTGTCTTAAGGCTTCTTCTGTCGTAAAACGTGCCTTTGGATCCACTACCAACAACTTC-3'

ClinVar aggregate classification (germline): Pathogenic/Likely pathogenic. Review status: criteria provided, multiple submitters, no conflicts (2 of 4 stars). 3 submissions from 3 submitters: Pathogenic (2); Likely pathogenic (1). Last evaluated 2024-03-01.

Conditions:
Familial cancer of breast. Also called: hereditary breast carcinoma; Hereditary breast cancer; BREAST CANCER, FAMILIAL. Identifiers: Orphanet 227535, MedGen C0346153, MONDO:0016419, OMIM 114480. Disease mechanism: loss of function.

Submissions (3):

Molecular Pathology, Peter Maccallum Cancer Centre
Classification: Pathogenic for Familial cancer of breast. Last evaluated: 2024-03-01. Review status: criteria provided, single submitter. Criteria: ACMG Guidelines, 2015. Collection method: clinical testing. Allele origin: germline. Inheritance: Autosomal dominant inheritance.

Baylor Genetics
Classification: Likely pathogenic for Familial cancer of breast. Last evaluated: 2021-11-22. Review status: criteria provided, single submitter. Criteria: ACMG Guidelines, 2015. Collection method: clinical testing. Allele origin: unknown.

Labcorp Genetics (formerly Invitae), Labcorp
Classification: Pathogenic for Familial cancer of breast. Last evaluated: 2021-05-25. Review status: criteria provided, single submitter. Criteria: Invitae Variant Classification Sherloc (09022015). Collection method: clinical testing. Allele origin: germline.
Comment: This sequence change creates a premature translational stop signal (p.Trp485Glyfs*7) in the CHEK2 gene. It is expected to result in an absent or disrupted protein product. Loss-of-function variants in CHEK2 are known to be pathogenic (PMID: 21876083, 24713400). This variant is not present in population databases (ExAC no frequency). This variant has not been reported in the literature in individuals with CHEK2-related conditions. For these reasons, this variant has been classified as Pathogenic.

Literature cited by the submitters: PubMed 21876083 (cited by Labcorp Genetics (formerly Invitae), Labcorp); PubMed 24713400 (cited by Labcorp Genetics (formerly Invitae), Labcorp).